The following is an entry in ClinVar:

ClinVar aggregate classification (germline): Uncertain significance (1 of 4 stars; one submission).

Submission:

GeneDx
Classification: Uncertain significance. Last evaluated: 2025-06-04. Review status: criteria provided, single submitter. Criteria: GeneDx Variant Classification Process June 2021. Collection method: clinical testing. Allele origin: germline. Affected: yes.
Comment: Not observed at significant frequency in large population cohorts (gnomAD); In silico analysis supports that this missense variant has a deleterious effect on protein structure/function; Has not been previously published as pathogenic or benign to our knowledge

NM_001205293.3(CACNA1E):c.946T>C (p.Tyr316His)

Gene: CACNA1E (calcium voltage-gated channel subunit alpha1 E; plus strand). Cytogenetic location: 1q25.3.
Variant type: single nucleotide variant.
Coding change: c.946T>C on transcript NM_001205293.3 (MANE Select); coding-DNA position 946, T replaced by C.
Protein change: p.Tyr316His; replaces tyrosine 316 with histidine.
Molecular consequence: missense variant.
Genome position (GRCh38, 1-based): chr1:181,580,771, T>C. VCF-style: chr1-181580771-T-C. GRCh37 (hg19) VCF-style: chr1-181549907-T-C.
Other names: c.946T>C, p.Tyr316His (NM_000721.4, NM_001205294.2); short protein forms Y316H.
Identifiers: ClinVar variation 4536266 (VCV004536266.1).